The following is an entry in ClinVar:

ClinVar aggregate classification (germline): Uncertain significance (1 of 4 stars; one submission).

Conditions:
Gastrointestinal stromal tumor. Also called: Gastrointestinal stromal tumor, somatic; Gastrointestinal stroma tumor. Identifiers: Orphanet 44890, MedGen C0238198, MeSH D046152, MONDO:0011719, OMIM 606764, HP:0100723.

Submission:

Labcorp Genetics (formerly Invitae), Labcorp
Classification: Uncertain significance for Gastrointestinal stromal tumor. Last evaluated: 2024-04-10. Review status: criteria provided, single submitter. Criteria: Invitae Variant Classification Sherloc (09022015). Collection method: clinical testing. Allele origin: germline.
Comment: This sequence change replaces threonine, which is neutral and polar, with alanine, which is neutral and non-polar, at codon 84 of the KIT protein (p.Thr84Ala). This variant is not present in population databases (gnomAD no frequency). This variant has not been reported in the literature in individuals affected with KIT-related conditions. ClinVar contains an entry for this variant (Variation ID: 1506751). An algorithm developed to predict the effect of missense changes on protein structure and function (PolyPhen-2) suggests that this variant is likely to be tolerated. In summary, the available evidence is currently insufficient to determine the role of this variant in disease. Therefore, it has been classified as a Variant of Uncertain Significance.

NM_000222.3(KIT):c.250A>G (p.Thr84Ala)

Gene: KIT (KIT proto-oncogene, receptor tyrosine kinase; plus strand). Cytogenetic location: 4q12.
Variant type: single nucleotide variant.
Coding change: c.250A>G on transcript NM_000222.3 (MANE Select); coding-DNA position 250, A replaced by G.
Protein change: p.Thr84Ala; replaces threonine 84 with alanine.
Molecular consequence: missense variant.
Genome position (GRCh38, 1-based): chr4:54,695,694, A>G. VCF-style: chr4-54695694-A-G. GRCh37 (hg19) VCF-style: chr4-55561860-A-G.
Other names: c.250A>G, p.Thr84Ala (NM_001093772.2, NM_001385284.1, NM_001385285.1 and 4 more transcripts); short protein forms T84A.
Identifiers: ClinVar variation 1506751 (VCV001506751.8), dbSNP rs1060502560, ClinGen allele CA356897168.